The following is an entry in ClinVar:

NM_006950.3(SYN1):c.1519C>A (p.Arg507Ser)

Gene: SYN1 (synapsin I; minus strand). Cytogenetic location: Xp11.3.
Variant type: single nucleotide variant.
Coding change: c.1519C>A on transcript NM_006950.3 (MANE Select); coding-DNA position 1519, C replaced by A.
Protein change: p.Arg507Ser; replaces arginine 507 with serine.
Molecular consequence: missense variant.
Genome position (GRCh38, 1-based): chrX:47,574,465, G>T on the plus strand (C>A on the coding strand, the complement: SYN1 is on the minus strand). VCF-style: chrX-47574465-G-T. GRCh37 (hg19) VCF-style: chrX-47433864-G-T.
Other names: c.1519C>A, p.Arg507Ser (NM_133499.2); short protein forms R507S.
Identifiers: ClinVar variation 1419896 (VCV001419896.8), dbSNP rs2057770942, ClinGen allele CA412823532.

ClinVar aggregate classification (germline): Uncertain significance (1 of 4 stars; one submission).

Conditions:
Epilepsy, X-linked 1, with variable learning disabilities and behavior disorders. Also called: X-linked epilepsy-learning disabilities-behavior disorders syndrome. Identifiers: Orphanet 85294, MedGen C5774177, MONDO:0010339, OMIM 300491.

Allele frequency attached by ClinVar (database versions not stated): gnomAD exomes below 0.00001; gnomAD 0.00001; TOPMed 0.00002.
gnomAD v4.1: 3 of 1,070,368 alleles (0.00028%); highest among the groups gnomAD compares: African/African-American, 0.0019%; no homozygotes.

Submission:

Labcorp Genetics (formerly Invitae), Labcorp
Classification: Uncertain significance for Epilepsy, X-linked 1, with variable learning disabilities and behavior disorders. Last evaluated: 2024-10-28. Review status: criteria provided, single submitter. Criteria: Invitae Variant Classification Sherloc (09022015). Collection method: clinical testing. Allele origin: germline.
Comment: This sequence change replaces arginine, which is basic and polar, with serine, which is neutral and polar, at codon 507 of the SYN1 protein (p.Arg507Ser). The frequency data for this variant in the population databases is considered unreliable, as metrics indicate insufficient coverage at this position in the gnomAD database. This variant has not been reported in the literature in individuals affected with SYN1-related conditions. ClinVar contains an entry for this variant (Variation ID: 1419896). Experimental studies and prediction algorithms are not available or were not evaluated, and the functional significance of this variant is currently unknown. In summary, the available evidence is currently insufficient to determine the role of this variant in disease. Therefore, it has been classified as a Variant of Uncertain Significance.